The following is an entry in ClinVar:

NM_000214.3(JAG1):c.3140C>T (p.Ser1047Leu)

Gene: JAG1 (jagged canonical Notch ligand 1; minus strand). Cytogenetic location: 20p12.2.
Variant type: single nucleotide variant.
Coding change: c.3140C>T on transcript NM_000214.3 (MANE Select); coding-DNA position 3140, C replaced by T.
Protein change: p.Ser1047Leu; replaces serine 1047 with leucine.
Molecular consequence: missense variant.
Genome position (GRCh38, 1-based): chr20:10,640,842, G>A on the plus strand (C>T on the coding strand, the complement: JAG1 is on the minus strand). VCF-style: chr20-10640842-G-A. GRCh37 (hg19) VCF-style: chr20-10621490-G-A.
Other names: short protein forms S1047L.
Identifiers: ClinVar variation 2180132 (VCV002180132.5), dbSNP rs267605834, ClinGen allele CA9764272.

ClinVar aggregate classification (germline): Conflicting classifications of pathogenicity. Review status: criteria provided, conflicting classifications (1 of 4 stars). 2 submissions from 2 submitters: Uncertain significance (1); Likely benign (1). Last evaluated 2026-07-28.

Conditions:
JAG1-related disorder. Also called: JAG1-related condition; JAG1-related disorders.
Alagille syndrome due to a JAG1 point mutation. Also called: HEPATIC DUCTULAR HYPOPLASIA, SYNDROMATIC; Alagille Syndrome 1; JAG1-Related Alagille Syndrome. Identifiers: Orphanet 261619, Orphanet 52, MedGen C1956125, MONDO:0016862, OMIM 118450.

Allele frequency attached by ClinVar (database versions not stated): gnomAD exomes 0.00001; ExAC 0.00002.

Submissions (2):

PreventionGenetics, part of Exact Sciences
Classification: Uncertain significance for JAG1-related condition. Last evaluated: 2026-07-28. Review status: criteria provided, single submitter. Criteria: ACMG Guidelines, 2015. Collection method: clinical testing. Allele origin: germline.
Comment: The JAG1 c.3140C>T variant is predicted to result in the amino acid substitution p.Ser1047Leu. To our knowledge, this variant has not been reported in the literature. This variant is reported in 0.014% of alleles in individuals of Latino descent in gnomAD. Although we suspect that this variant may be benign, at this time, the clinical significance of this variant is uncertain due to the absence of conclusive functional and genetic evidence.

Labcorp Genetics (formerly Invitae), Labcorp
Classification: Likely benign for Alagille syndrome due to a JAG1 point mutation. Last evaluated: 2023-03-20. Review status: criteria provided, single submitter. Criteria: Invitae Variant Classification Sherloc (09022015). Collection method: clinical testing. Allele origin: germline.